The following is an entry in ClinVar:

ClinVar aggregate classification (germline): Uncertain significance. Review status: criteria provided, multiple submitters, no conflicts (2 of 4 stars). 2 submissions from 2 submitters: Uncertain significance (2). Last evaluated 2024-09-10.

Conditions:
Ehlers-Danlos syndrome, dermatosparaxis type. Also called: EDS VIIC; Dermatosparaxis; Ehlers-Danlos syndrome, type VII, autosomal recessive. Identifiers: Orphanet 1901, MedGen C2700425, MONDO:0009161, OMIM 225410.

Allele frequency attached by ClinVar (database versions not stated): TOPMed 0.00001; gnomAD exomes 0.00010; ExAC 0.00013.
gnomAD v4.1: 61 of 1,612,534 alleles (0.0038%); highest among the groups gnomAD compares: East Asian, 0.13%; no homozygotes.

Submissions (2):

GeneDx
Classification: Uncertain significance. Last evaluated: 2024-09-10. Review status: criteria provided, single submitter. Criteria: GeneDx Variant Classification Process June 2021. Collection method: clinical testing. Allele origin: germline. Affected: yes.
Comment: Identified in a family with familial intracranial aneurysms (FIAs) who also harbored additional variants in aneurysm-related genes (PMID: 34668355); In silico analysis indicates that this missense variant does not alter protein structure/function; This variant is associated with the following publications: (PMID: 34668355)

Labcorp Genetics (formerly Invitae), Labcorp
Classification: Uncertain significance for Ehlers-Danlos syndrome, dermatosparaxis type. Last evaluated: 2021-09-17. Review status: criteria provided, single submitter. Criteria: Invitae Variant Classification Sherloc (09022015). Collection method: clinical testing. Allele origin: germline.
Comment: This sequence change replaces alanine with threonine at codon 90 of the ADAMTS2 protein (p.Ala90Thr). The alanine residue is highly conserved and there is a small physicochemical difference between alanine and threonine. This variant is present in population databases (rs776393146, ExAC 0.2%). This variant has not been reported in the literature in individuals with ADAMTS2-related conditions. Algorithms developed to predict the effect of missense changes on protein structure and function (SIFT, PolyPhen-2, Align-GVGD) all suggest that this variant is likely to be tolerated, but these predictions have not been confirmed by published functional studies and their clinical significance is uncertain. In summary, the available evidence is currently insufficient to determine the role of this variant in disease. Therefore, it has been classified as a Variant of Uncertain Significance.

NM_014244.5(ADAMTS2):c.268G>A (p.Ala90Thr)

Gene: ADAMTS2 (ADAM metallopeptidase with thrombospondin type 1 motif 2; minus strand). Cytogenetic location: 5q35.3.
Variant type: single nucleotide variant.
Coding change: c.268G>A on transcript NM_014244.5 (MANE Select); coding-DNA position 268, G replaced by A.
Protein change: p.Ala90Thr; replaces alanine 90 with threonine.
Molecular consequence: missense variant.
Genome position (GRCh38, 1-based): chr5:179,344,033, C>T on the plus strand (G>A on the coding strand, the complement: ADAMTS2 is on the minus strand). VCF-style: chr5-179344033-C-T. GRCh37 (hg19) VCF-style: chr5-178771034-C-T.
Other names: c.268G>A, p.Ala90Thr (NM_021599.4); c.268G>A (NM_014244.4); short protein forms A90T.
Identifiers: ClinVar variation 2149456 (VCV002149456.2), dbSNP rs776393146, ClinGen allele CA3596357.